The following is an entry in ClinVar:

NM_000256.3(MYBPC3):c.2962G>A (p.Gly988Arg)

Gene: MYBPC3 (myosin binding protein C3; minus strand). Cytogenetic location: 11p11.2.
Variant type: single nucleotide variant.
Coding change: c.2962G>A on transcript NM_000256.3 (MANE Select); coding-DNA position 2962, G replaced by A.
Protein change: p.Gly988Arg; replaces glycine 988 with arginine.
Molecular consequence: missense variant.
Genome position (GRCh38, 1-based): chr11:47,333,954, C>T on the plus strand (G>A on the coding strand, the complement: MYBPC3 is on the minus strand). VCF-style: chr11-47333954-C-T. GRCh37 (hg19) VCF-style: chr11-47355505-C-T.
Other names: short protein forms G988R.
Identifiers: ClinVar variation 1050896 (VCV001050896.44), dbSNP rs779781718, ClinGen allele CA079051.
Genomic context (GRCh38, chr11:47,333,954, plus strand): 5'-GGGGGACAGGGAAGGGGGCCAGTCCCACCTGGAAAGGGATGAGAAGGTTCACAGGCTCCC[C>T]GACCTTCTTCTGAATGGTCTGGCGCAGGTGCCTGGGCAGCTGAAGCCGTGGCCGTTCTGT-3'
Protein context (NP_000247.2, residues 978-998): HLRQTIQKKV[Gly988Arg]EPVNLLIPFQ

ClinVar aggregate classification (germline): Conflicting classifications of pathogenicity. Review status: criteria provided, conflicting classifications (1 of 4 stars). 8 submissions from 8 submitters: Uncertain significance (5); Likely benign (1). 2 of the submissions do not count toward it. Last evaluated 2025-06-24.

Conditions:
Cardiovascular phenotype. Identifiers: MedGen CN230736.
Cardiomyopathy (CMYO). Also called: Cardiomyopathies. Identifiers: Orphanet 167848, MedGen C0878544, MONDO:0004994, HP:0001638. Inheritance: Various modes of inheritance.
Hypertrophic cardiomyopathy. Also called: HYPERTROPHIC MYOCARDIOPATHY. Identifiers: Orphanet 217569, MedGen C0007194, MeSH D002312, MONDO:0005045, HP:0001639.

Allele frequency attached by ClinVar (database versions not stated): gnomAD 0.00001; gnomAD exomes 0.00001 and 0.00003; ExAC 0.00003; TOPMed 0.00003.
gnomAD v4.1: 23 of 1,582,824 alleles (0.0015%); highest among the groups gnomAD compares: Admixed American, 0.0054%; no homozygotes.

Submissions (8):

Labcorp Genetics (formerly Invitae), Labcorp
Classification: Uncertain significance for Hypertrophic cardiomyopathy. Last evaluated: 2025-06-24. Review status: criteria provided, single submitter. Criteria: Invitae Variant Classification Sherloc (09022015). Collection method: clinical testing. Allele origin: germline.
Comment: This sequence change replaces glycine, which is neutral and non-polar, with arginine, which is basic and polar, at codon 988 of the MYBPC3 protein (p.Gly988Arg). This variant is present in population databases (rs779781718, gnomAD 0.01%). This missense change has been observed in individual(s) with hypertrophic cardiomyopathy (PMID: 30206291, 37466024). ClinVar contains an entry for this variant (Variation ID: 1050896). An algorithm developed to predict the effect of missense changes on protein structure and function outputs the following: PolyPhen-2: "Probably Damaging". The arginine amino acid residue is found in multiple mammalian species, which suggests that this missense change does not adversely affect protein function. Algorithms developed to predict the effect of sequence changes on RNA splicing suggest that this variant may create or strengthen a splice site. In summary, the available evidence is currently insufficient to determine the role of this variant in disease. Therefore, it has been classified as a Variant of Uncertain Significance.

Molecular Diagnostic Laboratory for Inherited Cardiovascular Disease, Montreal Heart Institute
Classification: Uncertain significance for Cardiovascular phenotype. Last evaluated: 2025-04-09. Review status: criteria provided, single submitter. Criteria: ACMG Guidelines, 2015. Collection method: clinical testing. Allele origin: germline. Affected: yes.
Comment: PM2, PS4_supp, PP3

All of Us Research Program, National Institutes of Health
Classification: Uncertain significance for Hypertrophic cardiomyopathy. Last evaluated: 2024-06-17. Review status: criteria provided, single submitter. Criteria: ACMG Guidelines, 2015. Collection method: clinical testing. Allele origin: germline. Inheritance: Autosomal dominant inheritance. Observed: 6 variant alleles, 6 heterozygotes.
Comment: This missense variant replaces glycine with arginine at codon 988 of the MYBPC3 protein. Computational prediction is inconclusive regarding the impact of this variant on protein structure and function (internally defined REVEL score threshold 0.5 < inconclusive < 0.7, PMID: 27666373). Splice site prediction tools suggest that this variant may impact RNA splicing. To our knowledge, functional studies have not been reported for this variant. This variant has been reported in at least 1 individual affected with hypertrophic cardiomyopathy (PMID: 30206291). This variant has been identified in 6/199712 chromosomes in the general population by the Genome Aggregation Database (gnomAD). The available evidence is insufficient to determine the role of this variant in disease conclusively. Therefore, this variant is classified as a Variant of Uncertain Significance.

This study involves interpretation of variants in research participants for the purpose of population health screening. Participant phenotype was not available at the time of variant classification. Additional details can be found in publication PMID: 35346344, PMCID: PMC8962531

Color Diagnostics, LLC DBA Color Health
Classification: Uncertain significance for Cardiomyopathy. Last evaluated: 2024-05-29. Review status: criteria provided, single submitter. Criteria: ACMG Guidelines, 2015. Collection method: clinical testing. Allele origin: germline.
Comment: This missense variant replaces glycine with arginine at codon 988 of the MYBPC3 protein. Computational prediction tools indicate that this variant has a deleterious impact on protein structure and function. Splice site prediction tools are inconclusive regarding the impact of this variant on RNA splicing. To our knowledge, functional studies have not been reported for this variant. This variant has been reported in at least two individuals affected with hypertrophic cardiomyopathy (PMID: 30206291, 37466024). This variant has been identified in 6/199712 chromosomes in the general population by the Genome Aggregation Database (gnomAD). The available evidence is insufficient to determine the role of this variant in disease conclusively. Therefore, this variant is classified as a Variant of Uncertain Significance.

Ambry Genetics
Classification: Likely benign for Cardiovascular phenotype. Last evaluated: 2023-05-05. Review status: criteria provided, single submitter. Criteria: Ambry Variant Classification Scheme 2023. Collection method: clinical testing. Allele origin: germline.

CeGaT Center for Human Genetics Tuebingen
Classification: Uncertain significance. Last evaluated: 2022-06-01. Review status: criteria provided, single submitter. Criteria: CeGaT Center For Human Genetics Tuebingen Variant Classification Criteria Version 2. Collection method: clinical testing. Allele origin: germline. Affected: yes. Observed: 1 variant allele.
Comment: MYBPC3: PM2

Clinical Genetics, Academic Medical Center
Classification: Uncertain significance. Review status: no assertion criteria provided. Collection method: clinical testing. Allele origin: germline. Affected: yes. Study: VKGL Data-share Consensus. Not counted in ClinVar's aggregate classification.

Joint Genome Diagnostic Labs from Nijmegen and Maastricht, Radboudumc and MUMC+
Classification: Uncertain significance. Review status: no assertion criteria provided. Collection method: clinical testing. Allele origin: germline. Affected: yes. Study: VKGL Data-share Consensus. Not counted in ClinVar's aggregate classification.

Literature cited by the submitters: PubMed 30206291 (cited by 4 submitters); PubMed 37466024 (cited by Labcorp Genetics (formerly Invitae), Labcorp and Color Diagnostics, LLC DBA Color Health).